The following is an entry in ClinVar:

ClinVar aggregate classification (germline): Likely benign. Review status: criteria provided, multiple submitters, no conflicts (2 of 4 stars). 9 submissions from 9 submitters: Likely benign (7). 2 of the submissions do not count toward it. Last evaluated 2026-05-01.

Conditions:
Charcot-Marie-Tooth disease type 2. Also called: Charcot-Marie-Tooth type 2. Identifiers: Orphanet 64746, MedGen C0270914, MONDO:0018993.
Inborn genetic diseases. Identifiers: MedGen C0950123, MeSH D030342.
AARS1-related disorder. Also called: AARS1-related condition.
Charcot-Marie-Tooth disease axonal type 2N (CMT2N). Also called: Charcot-Marie-Tooth Neuropathy Type 2N; CHARCOT-MARIE-TOOTH DISEASE, AXONAL, AUTOSOMAL DOMINANT, TYPE 2N; CHARCOT-MARIE-TOOTH NEUROPATHY, AXONAL, TYPE 2N. Identifiers: Orphanet 228174, MedGen C2750090, MONDO:0013212, OMIM 613287.

Allele frequency attached by ClinVar (database versions not stated): gnomAD 0.00022; TOPMed 0.00022; ExAC 0.00023.

Submissions (9):

CeGaT Center for Human Genetics Tuebingen
Classification: Likely benign. Last evaluated: 2026-05-01. Review status: criteria provided, single submitter. Criteria: CeGaT Center For Human Genetics Tuebingen Variant Classification Criteria Version 2. Collection method: clinical testing. Allele origin: germline. Affected: yes. Observed: 7 variant alleles.
Comment: AARS1: BP4, BP7

Labcorp Genetics (formerly Invitae), Labcorp
Classification: Likely benign for Charcot-Marie-Tooth disease type 2. Last evaluated: 2026-01-05. Review status: criteria provided, single submitter. Criteria: Invitae Variant Classification Sherloc (09022015). Collection method: clinical testing. Allele origin: germline.

PreventionGenetics, part of Exact Sciences
Classification: Likely benign for AARS1-related condition. Last evaluated: 2025-06-11. Review status: criteria provided, single submitter. Criteria: ACMG Guidelines, 2015. Collection method: clinical testing. Allele origin: germline.
Comment: This variant is classified as likely benign based on ACMG/AMP sequence variant interpretation guidelines (Richards et al. 2015 PMID: 25741868, with internal and published modifications).

Blueprint Genetics
Classification: Likely benign. Last evaluated: 2024-01-03. Review status: criteria provided, single submitter. Criteria: ACMG Guidelines, 2015. Collection method: clinical testing. Allele origin: germline.

Ambry Genetics
Classification: Likely benign for Inborn genetic diseases. Last evaluated: 2019-07-11. Review status: criteria provided, single submitter. Criteria: Ambry Variant Classification Scheme 2023. Collection method: clinical testing. Allele origin: germline.

GeneDx
Classification: Likely benign. Last evaluated: 2018-05-03. Review status: criteria provided, single submitter. Criteria: GeneDx Variant Classification Process June 2021. Collection method: clinical testing. Allele origin: germline. Affected: yes.

Illumina Laboratory Services, Illumina
Classification: Likely benign for Charcot-Marie-Tooth disease axonal type 2N. Last evaluated: 2018-01-12. Review status: criteria provided, single submitter. Criteria: ICSL Variant Classification Criteria 13 December 2019. Collection method: clinical testing. Allele origin: germline.
Comment: This variant was observed in the ICSL laboratory as part of a predisposition screen in an ostensibly healthy population. It had not been previously curated by ICSL or reported in the Human Gene Mutation Database (HGMD: prior to June 1st, 2018), and was therefore a candidate for classification through an automated scoring system. Utilizing variant allele frequency, disease prevalence and penetrance estimates, and inheritance mode, an automated score was calculated to assess if this variant is too frequent to cause the disease. Based on the score and internal cut-off values, a variant classified as likely benign is not then subjected to further curation. The score for this variant resulted in a classification of likely benign for this disease.

Clinical Genetics, Academic Medical Center
Classification: Likely benign. Review status: no assertion criteria provided. Collection method: clinical testing. Allele origin: germline. Affected: yes. Study: VKGL Data-share Consensus. Not counted in ClinVar's aggregate classification.

Diagnostic Laboratory, Department of Genetics, University Medical Center Groningen
Classification: Likely benign. Review status: no assertion criteria provided. Collection method: clinical testing. Allele origin: germline. Affected: yes. Study: VKGL Data-share Consensus. Not counted in ClinVar's aggregate classification.

NM_001605.3(AARS1):c.2217C>T (p.Ile739=)

Gene: AARS1 (alanyl-tRNA synthetase 1; minus strand). Cytogenetic location: 16q22.1.
Variant type: single nucleotide variant.
Coding change: c.2217C>T on transcript NM_001605.3 (MANE Select); coding-DNA position 2217, C replaced by T.
Protein change: p.Ile739=; no amino-acid change (isoleucine 739 retained).
Molecular consequence: synonymous variant.
Genome position (GRCh38, 1-based): chr16:70,255,797, G>A on the plus strand (C>T on the coding strand, the complement: AARS1 is on the minus strand). VCF-style: chr16-70255797-G-A. GRCh37 (hg19) VCF-style: chr16-70289700-G-A.
Identifiers: ClinVar variation 320332 (VCV000320332.63), dbSNP rs770980206, ClinGen allele CA8140514.